The following is an entry in ClinVar:

ClinVar aggregate classification (germline): Conflicting classifications of pathogenicity. Review status: criteria provided, conflicting classifications (1 of 4 stars). 2 submissions from 2 submitters: Uncertain significance (1); Likely benign (1). Last evaluated 2026-07-31.

Conditions:
Renal cell carcinoma. Identifiers: Orphanet 217071, MedGen C0007134, MeSH D002292, MONDO:0005086, HP:0005584.
Hereditary cancer-predisposing syndrome. Also called: Hereditary Cancer Syndrome; Hereditary neoplastic syndrome; Neoplastic Syndromes, Hereditary; Tumor predisposition. Identifiers: Orphanet 140162, MedGen C0027672, MeSH D009386, MONDO:0015356.

Allele frequency attached by ClinVar (database versions not stated): gnomAD exomes below 0.00001.
gnomAD v4.1: 1 of 1,613,390 alleles (0.000062%); highest among the groups gnomAD compares: South Asian, 0.0011%; no homozygotes.

Submissions (2):

Ambry Genetics
Classification: Likely benign for Hereditary cancer-predisposing syndrome. Last evaluated: 2026-07-31. Review status: criteria provided, single submitter. Criteria: Ambry Variant Classification Scheme 2023. Collection method: clinical testing. Allele origin: germline.

Labcorp Genetics (formerly Invitae), Labcorp
Classification: Uncertain significance for Renal cell carcinoma. Last evaluated: 2024-01-24. Review status: criteria provided, single submitter. Criteria: Invitae Variant Classification Sherloc (09022015). Collection method: clinical testing. Allele origin: germline.
Comment: This sequence change replaces glutamic acid, which is acidic and polar, with glycine, which is neutral and non-polar, at codon 549 of the MET protein (p.Glu549Gly). This variant is present in population databases (no rsID available, gnomAD 0.003%). This variant has not been reported in the literature in individuals affected with MET-related conditions. ClinVar contains an entry for this variant (Variation ID: 1777152). Advanced modeling of protein sequence and biophysical properties (such as structural, functional, and spatial information, amino acid conservation, physicochemical variation, residue mobility, and thermodynamic stability) performed at Invitae indicates that this missense variant is not expected to disrupt MET protein function with a negative predictive value of 80%. In summary, the available evidence is currently insufficient to determine the role of this variant in disease. Therefore, it has been classified as a Variant of Uncertain Significance.

NM_000245.4(MET):c.1646A>G (p.Glu549Gly)

Gene: MET (MET proto-oncogene, receptor tyrosine kinase; plus strand). Cytogenetic location: 7q31.2.
Variant type: single nucleotide variant.
Coding change: c.1646A>G on transcript NM_000245.4 (MANE Select); coding-DNA position 1646, A replaced by G.
Protein change: p.Glu549Gly; replaces glutamic acid 549 with glycine.
Molecular consequence: missense variant.
Genome position (GRCh38, 1-based): chr7:116,740,970, A>G. VCF-style: chr7-116740970-A-G. GRCh37 (hg19) VCF-style: chr7-116381024-A-G.
Other names: c.1646A>G, p.Glu549Gly (NM_001127500.3, NM_001324401.3); c.356A>G, p.Glu119Gly (NM_001324402.2); short protein forms E119G, E549G.
Identifiers: ClinVar variation 1777152 (VCV001777152.6), dbSNP rs1160821810, ClinGen allele CA368975645.